The following is an entry in ClinVar:

ClinVar aggregate classification (germline): Uncertain significance (1 of 4 stars; one submission).

Allele frequency attached by ClinVar (database versions not stated): gnomAD exomes 0.00001 and 0.00002; ExAC 0.00002; TOPMed 0.00002.
gnomAD v4.1: 12 of 1,589,890 alleles (0.00075%); highest among the groups gnomAD compares: Middle Eastern, 0.017%; no homozygotes.

Submission:

Labcorp Genetics (formerly Invitae), Labcorp
Classification: Uncertain significance. Last evaluated: 2023-07-17. Review status: criteria provided, single submitter. Criteria: Invitae Variant Classification Sherloc (09022015). Collection method: clinical testing. Allele origin: germline.
Comment: In summary, the available evidence is currently insufficient to determine the role of this variant in disease. Therefore, it has been classified as a Variant of Uncertain Significance. Advanced modeling of protein sequence and biophysical properties (such as structural, functional, and spatial information, amino acid conservation, physicochemical variation, residue mobility, and thermodynamic stability) performed at Invitae indicates that this missense variant is not expected to disrupt SLC46A1 protein function. ClinVar contains an entry for this variant (Variation ID: 1499014). This variant has not been reported in the literature in individuals affected with SLC46A1-related conditions. This variant is present in population databases (rs781880832, gnomAD 0.02%). This sequence change replaces leucine, which is neutral and non-polar, with valine, which is neutral and non-polar, at codon 124 of the SLC46A1 protein (p.Leu124Val).

NM_080669.6(SLC46A1):c.370C>G (p.Leu124Val)

Gene: SLC46A1 (solute carrier family 46 member 1; minus strand). Cytogenetic location: 17q11.2.
Variant type: single nucleotide variant.
Coding change: c.370C>G on transcript NM_080669.6 (MANE Select); coding-DNA position 370, C replaced by G.
Protein change: p.Leu124Val; replaces leucine 124 with valine.
Molecular consequence: missense variant.
Genome position (GRCh38, 1-based): chr17:28,405,327, G>C on the plus strand (C>G on the coding strand, the complement: SLC46A1 is on the minus strand). VCF-style: chr17-28405327-G-C. GRCh37 (hg19) VCF-style: chr17-26732345-G-C.
Other names: c.370C>G, p.Leu124Val (NM_001242366.3); short protein forms L124V.
Identifiers: ClinVar variation 1499014 (VCV001499014.5), dbSNP rs781880832, ClinGen allele CA8458342.